The following is an entry in ClinVar:

ClinVar aggregate classification (germline): Likely pathogenic. Review status: criteria provided, multiple submitters, no conflicts (2 of 4 stars). 2 submissions from 2 submitters: Likely pathogenic (2). Last evaluated 2026-03-16.

Conditions:
Myopathy, distal, 5 (MPD5). Also called: Adenylosuccinate synthetase-like 1-related distal myopathy. Identifiers: Orphanet 482601, MedGen C5567521, MONDO:0014877, OMIM 617030.

Allele frequency attached by ClinVar (database versions not stated): TOPMed below 0.00001; gnomAD 0.00001; gnomAD exomes below 0.00001.
gnomAD v4.1: 5 of 1,612,760 alleles (0.00031%); highest among the groups gnomAD compares: Non-Finnish European, 0.00042%; no homozygotes.

Submissions (2):

Women's Health and Genetics/Laboratory Corporation of America, LabCorp
Classification: Likely pathogenic for Myopathy, distal, 5. Last evaluated: 2026-03-16. Review status: criteria provided, single submitter. Criteria: LabCorp Variant Classification Summary - May 2015. Collection method: clinical testing. Allele origin: germline.
Comment: Variant summary: ADSS1 c.1078-2A>G is located in a canonical splice-site and is predicted to affect mRNA splicing resulting in a significantly altered protein due to either exon skipping, shortening, or inclusion of intronic material. Variants that disrupt the consensus splice site are a relatively common cause of aberrant splicing and loss of ADSS1 function. Several computational tools predict a significant impact on normal splicing: Four predict the variant abolishes a 3' acceptor site. However, these predictions have yet to be confirmed by functional studies. The variant was absent in 250512 control chromosomes. To our knowledge, no occurrence of c.1078-2A>G in individuals affected with ADSS1-related conditions and no experimental evidence demonstrating its impact on protein function have been reported. ClinVar contains an entry for this variant (Variation ID: 2725585). Based on the evidence outlined above, the variant was classified as likely pathogenic.

Labcorp Genetics (formerly Invitae), Labcorp
Classification: Likely pathogenic. Last evaluated: 2024-02-07. Review status: criteria provided, single submitter. Criteria: Invitae Variant Classification Sherloc (09022015). Collection method: clinical testing. Allele origin: germline.
Comment: This sequence change affects an acceptor splice site in intron 9 of the ADSSL1 gene. It is expected to disrupt RNA splicing. Variants that disrupt the donor or acceptor splice site typically lead to a loss of protein function (PMID: 16199547), and loss-of-function variants in ADSSL1 are known to be pathogenic (PMID: 26506222). This variant is not present in population databases (gnomAD no frequency). This variant has not been reported in the literature in individuals affected with ADSSL1-related conditions. Algorithms developed to predict the effect of sequence changes on RNA splicing suggest that this variant may disrupt the consensus splice site. In summary, the currently available evidence indicates that the variant is pathogenic, but additional data are needed to prove that conclusively. Therefore, this variant has been classified as Likely Pathogenic.

Literature cited by the submitters: PubMed 16199547 (cited by Labcorp Genetics (formerly Invitae), Labcorp); PubMed 26506222 (cited by Labcorp Genetics (formerly Invitae), Labcorp).

NM_152328.5(ADSS1):c.949-2A>G

Gene: ADSS1 (adenylosuccinate synthase 1; plus strand). Cytogenetic location: 14q32.33.
Variant type: single nucleotide variant.
Coding change: c.949-2A>G on transcript NM_152328.5 (MANE Select); the canonical splice acceptor site of the intron before coding-DNA position 949, A replaced by G.
Molecular consequence: splice acceptor variant.
Genome position (GRCh38, 1-based): chr14:104,743,065, A>G. VCF-style: chr14-104743065-A-G. GRCh37 (hg19) VCF-style: chr14-105209402-A-G.
Other names: c.1078-2A>G (NM_199165.2); c.334-2A>G (NM_001320424.1).
Identifiers: ClinVar variation 2725585 (VCV002725585.4), dbSNP rs946575582, ClinGen allele CA267337233.